The following is an entry in ClinVar:

NC_000017.11:g.31379017T>C

Gene: NF1 (neurofibromin 1; plus strand). Cytogenetic location: 17q11.2.
Variant type: single nucleotide variant.
Genome position: GRCh38 VCF-style: chr17-31379017-T-C. GRCh37 (hg19) VCF-style: chr17-29706035-T-C.
Identifiers: ClinVar variation 3024567 (VCV003024567.22), dbSNP rs140911947, ClinGen allele CA289712985.

ClinVar aggregate classification (germline): Likely benign (1 of 4 stars; one submission).

Allele frequency attached by ClinVar (database versions not stated): gnomAD 0.00053; TOPMed 0.00053; 1000 Genomes Project 0.00060; 1000 Genomes Project 30x 0.00062; gnomAD exomes 0.00100.

Submission:

CeGaT Center for Human Genetics Tuebingen
Classification: Likely benign. Last evaluated: 2026-09-01. Review status: criteria provided, single submitter. Criteria: CeGaT Center For Human Genetics Tuebingen Variant Classification Criteria Version 2. Collection method: clinical testing. Allele origin: germline. Affected: yes. Observed: 12 variant alleles.
Comment: NF1: BS1